The following is an entry in ClinVar:

ClinVar aggregate classification (germline): Pathogenic (1 of 4 stars; one submission).

Conditions:
Infantile neuroaxonal dystrophy (NBIA2A). Also called: NEURODEGENERATION WITH BRAIN IRON ACCUMULATION 2A; SEITELBERGER DISEASE; Infantile neuroaxonal dystrophy 1. Identifiers: Orphanet 35069, MedGen C0270724, MONDO:0024457, OMIM 256600.

Submission:

3billion
Classification: Pathogenic for Infantile neuroaxonal dystrophy. Last evaluated: 2025-12-07. Review status: criteria provided, single submitter. Criteria: ACMG Guidelines, 2015. Collection method: clinical testing. Allele origin: germline. Affected: yes.
Comment: The variant is not observed in the gnomAD v4.1.0 dataset. Predicted Consequence/Location: Canonical splice site: predicted to alter splicing and result in a loss or disruption of normal protein function. Multiple pathogenic loss-of-function variants are reported downstream of the variant. In silico tools predict the variant to alter splicing and produce an abnormal transcript [SpliceAI: 0.99 (spliceogenicity >=0.2, non-spliceogenicity <0.1)]. The variant has been reported to be associated with PLA2G6-related disorder (PMID: 20584031). Therefore, this variant is classified as Pathogenic according to the recommendation of ACMG/AMP guideline.

Literature cited by the submitters: PubMed 20584031.

NM_003560.4(PLA2G6):c.895-1G>A

Gene: PLA2G6 (phospholipase A2 group VI; minus strand). Cytogenetic location: 22q13.1.
Variant type: single nucleotide variant.
Coding change: c.895-1G>A on transcript NM_003560.4 (MANE Select); the canonical splice acceptor site of the intron before coding-DNA position 895, G replaced by A.
Molecular consequence: splice acceptor variant.
Genome position (GRCh38, 1-based): chr22:38,133,014, C>T on the plus strand (G>A on the coding strand, the complement: PLA2G6 is on the minus strand). VCF-style: chr22-38133014-C-T. GRCh37 (hg19) VCF-style: chr22-38529021-C-T.
Other names: c.217-1G>A (NM_001349868.2); c.895-1G>A (NM_001349866.2, NM_001199562.3, NM_001349865.2 and 2 more transcripts); c.361-1G>A (NM_001349869.2, NM_001349867.2).
Identifiers: ClinVar variation 4856351 (VCV004856351.1).
Genomic context (GRCh38, chr22:38,133,014, plus strand): 5'-GTTCCCCGCGGAGCTGGTGCTGTTCACGTTGCAGCCCCGTTTCAGCAGCATGCGGGCCAT[C>T]TGCGGGAGACGGTCAGGCTGAGTTAGCACAGGCACTCGGGGAGCTGCCGCACCCCGGGAC-3'